The following is an entry in ClinVar:

ClinVar aggregate classification (germline): Uncertain significance (1 of 4 stars; one submission).

Conditions:
Familial thoracic aortic aneurysm and aortic dissection (TAAD). Also called: Thoracic aortic aneurysms and dissections. Identifiers: Orphanet 91387, MedGen C4707243, MONDO:0019625.
Hereditary cancer-predisposing syndrome. Also called: Neoplastic Syndromes, Hereditary; Tumor predisposition; Hereditary Cancer Syndrome; Hereditary neoplastic syndrome. Identifiers: Orphanet 140162, MedGen C0027672, MeSH D009386, MONDO:0015356.

Submission:

Ambry Genetics
Classification: Uncertain significance for Hereditary cancer-predisposing syndrome; Familial thoracic aortic aneurysm and aortic dissection. Last evaluated: 2025-08-03. Review status: criteria provided, single submitter. Criteria: Ambry Variant Classification Scheme 2023. Collection method: clinical testing. Allele origin: germline.
Comment: The p.S411G variant (also known as c.1231A>G), located in coding exon 9 of the SMAD4 gene, results from an A to G substitution at nucleotide position 1231. The serine at codon 411 is replaced by glycine, an amino acid with similar properties. This amino acid position is conserved. In addition, this alteration is predicted to be deleterious by in silico analysis. Based on the available evidence, the clinical significance of this variant remains unclear.

NM_005359.6(SMAD4):c.1231A>G (p.Ser411Gly)

Gene: SMAD4 (SMAD family member 4; plus strand). Cytogenetic location: 18q21.2.
Variant type: single nucleotide variant.
Coding change: c.1231A>G on transcript NM_005359.6 (MANE Select); coding-DNA position 1231, A replaced by G.
Protein change: p.Ser411Gly; replaces serine 411 with glycine.
Molecular consequence: missense variant. On other transcripts: non-coding transcript variant (1).
Genome position (GRCh38, 1-based): chr18:51,067,110, A>G. VCF-style: chr18-51067110-A-G. GRCh37 (hg19) VCF-style: chr18-48593480-A-G.
Other names: c.1231A>G, p.Ser411Gly (NM_001407041.1, NM_001407042.1); short protein forms S411G.
Identifiers: ClinVar variation 4170046 (VCV004170046.1).
Genomic context (GRCh38, chr18:51,067,110, plus strand): 5'-TGTAAAGGTGAAGGTGATGTTTGGGTCAGGTGCCTTAGTGACCACGCGGTCTTTGTACAG[A>G]GTTACTACTTAGACAGAGAAGCTGGGCGTGCACCTGGAGATGCTGTTCATAAGATCTACC-3'
Protein context (NP_005350.1, residues 401-421): CLSDHAVFVQ[Ser411Gly]YYLDREAGRA